The following is an entry in ClinVar:

ClinVar aggregate classification (germline): Likely pathogenic (1 of 4 stars; one submission).

Submission:

Labcorp Genetics (formerly Invitae), Labcorp
Classification: Likely pathogenic. Last evaluated: 2024-09-05. Review status: criteria provided, single submitter. Criteria: Invitae Variant Classification Sherloc (09022015). Collection method: clinical testing. Allele origin: germline.
Comment: This sequence change replaces histidine, which is basic and polar, with tyrosine, which is neutral and polar, at codon 76 of the EBP protein (p.His76Tyr). This variant is not present in population databases (gnomAD no frequency). This missense change has been observed in individual(s) with Conradi-Hünermann-Happle syndrome (PMID: 18387283). ClinVar contains an entry for this variant (Variation ID: 2138564). Invitae Evidence Modeling of protein sequence and biophysical properties (such as structural, functional, and spatial information, amino acid conservation, physicochemical variation, residue mobility, and thermodynamic stability) indicates that this missense variant is expected to disrupt EBP protein function with a positive predictive value of 80%. In summary, the currently available evidence indicates that the variant is pathogenic, but additional data are needed to prove that conclusively. Therefore, this variant has been classified as Likely Pathogenic.

Literature cited by the submitters: PubMed 18387283.

NM_006579.3(EBP):c.226C>T (p.His76Tyr)

Gene: EBP (EBP cholestenol delta-isomerase; plus strand). Cytogenetic location: Xp11.23.
Variant type: single nucleotide variant.
Coding change: c.226C>T on transcript NM_006579.3 (MANE Select); coding-DNA position 226, C replaced by T.
Protein change: p.His76Tyr; replaces histidine 76 with tyrosine.
Molecular consequence: missense variant.
Genome position (GRCh38, 1-based): chrX:48,523,997, C>T. VCF-style: chrX-48523997-C-T. GRCh37 (hg19) VCF-style: chrX-48382385-C-T.
Other names: short protein forms H76Y.
Identifiers: ClinVar variation 2138564 (VCV002138564.4), dbSNP rs2519522330, ClinGen allele CA412851632.